The following is an entry in ClinVar:

NM_001903.5(CTNNA1):c.1928_1929del (p.Asp642_Phe643insTer)

Gene: CTNNA1 (catenin alpha 1; plus strand). Cytogenetic location: 5q31.2.
Variant type: Deletion.
Coding change: c.1928_1929del on transcript NM_001903.5 (MANE Select); coding-DNA positions 1928 to 1929, 2 bases deleted (TT; older notation c.1928_1929delTT).
Protein change: p.Asp642_Phe643insTer.
Molecular consequence: nonsense.
Genome position (GRCh38, 1-based): chr5:138,929,274-138,929,275, TT deleted; deleting any 2 consecutive bases within chr5:138,929,273-138,929,275 gives the same sequence; the c. name uses the placement nearest the transcript's 3' end. VCF-style (leftmost placement, unchanged base first): chr5-138929272-CTT-C. GRCh37 (hg19) VCF-style: chr5-138264961-CTT-C.
Other names: c.818_819del, p.Asp272_Phe273insTer (NM_001323994.1, NM_001323996.1, NM_001323997.1 and 17 more transcripts); c.479_480del, p.Asp159_Phe160insTer (NM_001324006.1, NM_001324007.1, NM_001324008.1 and 2 more transcripts); c.1928_1929del, p.Asp642_Phe643insTer (NM_001290307.3, NM_001323982.2, NM_001323983.1 and 2 more transcripts); c.1619_1620del, p.Asp539_Phe540insTer (NM_001290309.3); c.1559_1560del, p.Asp519_Phe520insTer (NM_001290310.3); c.1835_1836del, p.Asp611_Phe612insTer (NM_001323986.2); c.725_726del, p.Asp241_Phe242insTer (NM_001324011.1); c.575_576del, p.Asp191_Phe192insTer (NM_001324012.1, NM_001324013.1).
Identifiers: ClinVar variation 2573293 (VCV002573293.4), dbSNP rs2533820112, ClinGen allele CA2580613678.

ClinVar aggregate classification (germline): Pathogenic. Review status: criteria provided, multiple submitters, no conflicts (2 of 4 stars). 2 submissions from 2 submitters: Pathogenic (2). Last evaluated 2023-07-16.

Conditions:
Hereditary diffuse gastric adenocarcinoma (HDGC). Also called: DIFFUSE GASTRIC AND LOBULAR BREAST CANCER SYNDROME. Identifiers: Orphanet 26106, MedGen C1708349, MONDO:0007648, OMIM 137215.

Submissions (2):

Labcorp Genetics (formerly Invitae), Labcorp
Classification: Pathogenic. Last evaluated: 2023-07-16. Review status: criteria provided, single submitter. Criteria: Invitae Variant Classification Sherloc (09022015). Collection method: clinical testing. Allele origin: germline.
Comment: For these reasons, this variant has been classified as Pathogenic. This variant has not been reported in the literature in individuals affected with CTNNA1-related conditions. This variant is not present in population databases (gnomAD no frequency). This sequence change creates a premature translational stop signal (p.Phe643*) in the CTNNA1 gene. It is expected to result in an absent or disrupted protein product. Loss-of-function variants in CTNNA1 are known to be pathogenic (PMID: 32051609, 34425242).

Myriad Genetics, Inc.
Classification: Pathogenic for Hereditary diffuse gastric adenocarcinoma. Last evaluated: 2023-02-22. Review status: criteria provided, single submitter. Criteria: Myriad Autosomal Dominant, Autosomal Recessive and X-Linked Classification Criteria (2023). Collection method: clinical testing. Allele origin: unknown.
Comment: This variant is considered pathogenic. This variant creates a termination codon and is predicted to result in premature protein truncation.

Literature cited by the submitters: PubMed 32051609 (cited by Labcorp Genetics (formerly Invitae), Labcorp); PubMed 34425242 (cited by Labcorp Genetics (formerly Invitae), Labcorp).